The following is an entry in ClinVar:

ClinVar aggregate classification (germline): Uncertain significance. Review status: criteria provided, multiple submitters, no conflicts (2 of 4 stars). 2 submissions from 2 submitters: Uncertain significance (2). Last evaluated 2025-06-12.

Conditions:
Inborn genetic diseases. Identifiers: MedGen C0950123, MeSH D030342.
Fanconi anemia (FA). Also called: Fanconi's anemia. Identifiers: Orphanet 84, MedGen C0015625, MeSH D005199, MONDO:0019391.

gnomAD v4.1: 8 of 1,563,854 alleles (0.00051%); highest among the groups gnomAD compares: African/African-American, 0.0054%; no homozygotes.

Submissions (2):

Labcorp Genetics (formerly Invitae), Labcorp
Classification: Uncertain significance for Fanconi anemia. Last evaluated: 2025-06-12. Review status: criteria provided, single submitter. Criteria: Invitae Variant Classification Sherloc (09022015). Collection method: clinical testing. Allele origin: germline.
Comment: This sequence change replaces serine, which is neutral and polar, with tryptophan, which is neutral and slightly polar, at codon 603 of the SLX4 protein (p.Ser603Trp). This variant is present in population databases (no rsID available, gnomAD 0.01%). This variant has not been reported in the literature in individuals affected with SLX4-related conditions. ClinVar contains an entry for this variant (Variation ID: 1984620). An algorithm developed to predict the effect of missense changes on protein structure and function (PolyPhen-2) suggests that this variant is likely to be disruptive. In summary, the available evidence is currently insufficient to determine the role of this variant in disease. Therefore, it has been classified as a Variant of Uncertain Significance.

Ambry Genetics
Classification: Uncertain significance for Inborn genetic diseases. Last evaluated: 2025-01-09. Review status: criteria provided, single submitter. Criteria: Ambry Variant Classification Scheme 2023. Collection method: clinical testing. Allele origin: germline.

NM_032444.4(SLX4):c.1808C>G (p.Ser603Trp)

Gene: SLX4 (SLX4 structure-specific endonuclease subunit; minus strand). Cytogenetic location: 16p13.3.
Variant type: single nucleotide variant.
Coding change: c.1808C>G on transcript NM_032444.4 (MANE Select); coding-DNA position 1808, C replaced by G.
Protein change: p.Ser603Trp; replaces serine 603 with tryptophan.
Molecular consequence: missense variant.
Genome position (GRCh38, 1-based): chr16:3,596,269, G>C on the plus strand (C>G on the coding strand, the complement: SLX4 is on the minus strand). VCF-style: chr16-3596269-G-C. GRCh37 (hg19) VCF-style: chr16-3646270-G-C.
Other names: short protein forms S603W.
Identifiers: ClinVar variation 1984620 (VCV001984620.3), dbSNP rs780697002, ClinGen allele CA394527364.